The following is an entry in ClinVar:

ClinVar aggregate classification (germline): Likely benign. Review status: criteria provided, multiple submitters, no conflicts (2 of 4 stars). 2 submissions from 2 submitters: Likely benign (2). Last evaluated 2025-10-16.

gnomAD v4.1: 185 of 1,550,078 alleles (0.012%); highest among the groups gnomAD compares: South Asian, 0.056%; no homozygotes.

Submissions (2):

Mayo Clinic Laboratories, Mayo Clinic
Classification: Likely benign. Last evaluated: 2025-10-16. Review status: criteria provided, single submitter. Criteria: ACMG Guidelines, 2015. Collection method: clinical testing. Allele origin: germline. Observed: 1 variant allele.
Comment: BP4, BP7

Labcorp Genetics (formerly Invitae), Labcorp
Classification: Likely benign. Last evaluated: 2024-11-21. Review status: criteria provided, single submitter. Criteria: Invitae Variant Classification Sherloc (09022015). Collection method: clinical testing. Allele origin: germline.

NM_001142864.4(PIEZO1):c.7239C>T (p.Thr2413=)

Gene: PIEZO1 (piezo type mechanosensitive ion channel component 1 (Er blood group); minus strand). Cytogenetic location: 16q24.3.
Variant type: single nucleotide variant.
Coding change: c.7239C>T on transcript NM_001142864.4 (MANE Select); coding-DNA position 7239, C replaced by T.
Protein change: p.Thr2413=; no amino-acid change (threonine 2413 retained).
Molecular consequence: synonymous variant.
Genome position (GRCh38, 1-based): chr16:88,716,010, G>A on the plus strand (C>T on the coding strand, the complement: PIEZO1 is on the minus strand). VCF-style: chr16-88716010-G-A. GRCh37 (hg19) VCF-style: chr16-88782418-G-A.
Other names: p.Thr2413=.
Identifiers: ClinVar variation 3608682 (VCV003608682.3).
Genomic context (GRCh38, chr16:88,716,010, plus strand): 5'-GCCGAGGCTCGGTGGGCTGACCTTGTCACTGAAAATGACCATGGGCAGCAGGTTGCAGTC[G>A]GTCCGGCACTCCTGCAGCTCGATGACCCACCATTCGAGGAAGCCGGTGGCCCCCGCACCC-3'
Protein context (NP_001136336.2, residues 2403-2423): WWVIELQECR[Thr2413=]DCNLLPMVIF